The following is an entry in ClinVar:

NM_021957.4(GYS2):c.942-79A>G

Gene: GYS2 (glycogen synthase 2; minus strand). Cytogenetic location: 12p12.1.
Variant type: single nucleotide variant.
Coding change: c.942-79A>G on transcript NM_021957.4 (MANE Select); 79 bases into the intron before coding-DNA position 942, A replaced by G.
Molecular consequence: intron variant.
Genome position (GRCh38, 1-based): chr12:21,563,117, T>C on the plus strand (A>G on the coding strand, the complement: GYS2 is on the minus strand). VCF-style: chr12-21563117-T-C. GRCh37 (hg19) VCF-style: chr12-21716051-T-C.
Identifiers: ClinVar variation 4882862 (VCV004882862.2).

ClinVar aggregate classification (germline): Uncertain significance (1 of 4 stars; one submission).

Submission:

Dasa
Classification: Uncertain significance. Last evaluated: 2026-04-22. Review status: criteria provided, single submitter. Criteria: DASA Assertion Criteria. Collection method: clinical testing. Allele origin: germline.
Comment: NM_021957.4(GYS2):c.942-79A>G is an intronic variant. This variant is rare in population databases. The currently available literature and clinical evidence are not sufficient to establish a definitive association between this variant and the reported condition. Therefore, this variant is classified as a variant of uncertain significance.